The following is an entry in ClinVar:

ClinVar aggregate classification (germline): Likely benign. Review status: criteria provided, multiple submitters, no conflicts (2 of 4 stars). 2 submissions from 2 submitters: Likely benign (2). Last evaluated 2026-05-13.

Conditions:
AR-related disorder. Also called: AR-related condition.
Androgen resistance syndrome (AIS). Also called: TESTICULAR FEMINIZATION SYNDROME; Androgen insensitivity, complete; Androgen insensitivity; Androgen insensitivity syndrome due to coactivator deficiency; ANDROGEN RECEPTOR DEFICIENCY; DIHYDROTESTOSTERONE RECEPTOR DEFICIENCY. Identifiers: Orphanet 754, Orphanet 99429, MedGen C0039585, MONDO:0019154, OMIM 300068. Disease mechanism: loss of function.
Kennedy disease (SMAX1). Also called: KENNEDY SPINAL AND BULBAR MUSCULAR ATROPHY; SPINAL AND BULBAR MUSCULAR ATROPHY, X-LINKED 1; Spinal and Bulbar Muscular Atrophy. Identifiers: Orphanet 481, MedGen C1839259, MONDO:0010735, OMIM 313200.

Submissions (2):

PreventionGenetics, part of Exact Sciences
Classification: Likely benign for AR-related condition. Last evaluated: 2026-05-13. Review status: criteria provided, single submitter. Criteria: ACMG Guidelines, 2015. Collection method: clinical testing. Allele origin: germline.
Comment: This variant is classified as likely benign based on ACMG/AMP sequence variant interpretation guidelines (Richards et al. 2015 PMID: 25741868, with internal and published modifications).

Labcorp Genetics (formerly Invitae), Labcorp
Classification: Likely benign for Kennedy disease; Androgen resistance syndrome. Last evaluated: 2024-03-11. Review status: criteria provided, single submitter. Criteria: Invitae Variant Classification Sherloc (09022015). Collection method: clinical testing. Allele origin: germline.

NM_000044.6(AR):c.256CAG[7] (p.Gln91dup)

Genes: AR (androgen receptor; plus strand), LOC109504725 (androgen receptor repeat instability region; plus strand). Cytogenetic location: Xq12.
Variant type: Microsatellite.
Coding change: c.256CAG[7] on transcript NM_000044.6 (MANE Select); seven copies in a row of the 3-base unit CAG starting at c.256; the reference has six copies in a row; one copy, 3 bases duplicated.
Protein change: p.Gln91dup; duplicates glutamine 91.
Molecular consequence: inframe insertion. On other transcripts: 5 prime UTR variant (1).
Genome position (GRCh38, 1-based): chrX:67,545,417-67,545,419, CAG duplicated; duplicating any 3 consecutive bases within chrX:67,545,401-67,545,419 gives the same sequence; the position shown is the placement nearest the transcript's 3' end. VCF-style (leftmost placement, unchanged base first): chrX-67545400-G-GGCA. GRCh37 (hg19) VCF-style: chrX-66765242-G-GGCA.
Other names: c.-1528CAG[7] (NM_001011645.3); c.256CAG[7], p.Gln91dup (NM_001348061.1, NM_001348063.1, NM_001348064.1); c.271_273dupCAG (NM_000044.3).
Identifiers: ClinVar variation 1629823 (VCV001629823.10), dbSNP rs753526329, ClinGen allele CA10436259.